The following is an entry in ClinVar:

NM_014251.3(SLC25A13):c.1311+2T>G

Gene: SLC25A13 (solute carrier family 25 member 13; minus strand). Cytogenetic location: 7q21.3.
Variant type: single nucleotide variant.
Coding change: c.1311+2T>G on transcript NM_014251.3 (MANE Select); the canonical splice donor site of the intron after coding-DNA position 1311, T replaced by G.
Molecular consequence: splice donor variant.
Genome position (GRCh38, 1-based): chr7:96,170,043, A>C on the plus strand (T>G on the coding strand, the complement: SLC25A13 is on the minus strand). VCF-style: chr7-96170043-A-C. GRCh37 (hg19) VCF-style: chr7-95799355-A-C.
Other names: c.1314+2T>G (NM_001160210.2).
Identifiers: ClinVar variation 3346024 (VCV003346024.2).

ClinVar aggregate classification (germline): Pathogenic. Review status: criteria provided, single submitter (1 of 4 stars). 2 submissions from 2 submitters: Pathogenic (1). 1 of the submissions does not count toward it. Last evaluated 2025-04-25.

Conditions:
SLC25A13-related disorder. Also called: SLC25A13-related condition.
Citrullinemia. Identifiers: Orphanet 187, MedGen C0175683, MONDO:0015991.

Submissions (2):

Natera, Inc.
Classification: Pathogenic for Citrullinemia. Last evaluated: 2025-04-25. Review status: criteria provided, single submitter. Criteria: Natera Variant Classification Schema (03/2026). Collection method: clinical testing. Allele origin: germline.
Comment: The c.1311+2T>G variant in SLC25A13 is a canonical splice donor site variant predicted to affect pre-mRNA splicing, which may result in an abnormal transcript and altered protein product. This variant is expected to result in nonsense mediated decay, truncation, or a dysfunctional protein product. This variant is rare in the general population with a frequency below the threshold expected for the associated phenotype(s). This variant has been observed in one or more individuals affected with the associated recessive disease, as either homozygous or compound heterozygous with a second variant (PMID: 18392553). Functional studies show that this variant may disrupt protein function (PMID: 18392553). Another variant at this same site results in an alteration predicted to cause a similar molecular effect has been observed in individual(s) with the associated phenotype. Given the available evidence, this variant is classified as Pathogenic.

PreventionGenetics, part of Exact Sciences
Classification: Pathogenic for SLC25A13-related condition. Last evaluated: 2024-07-31. Review status: no assertion criteria provided. Collection method: clinical testing. Allele origin: germline. Not counted in ClinVar's aggregate classification.
Comment: The SLC25A13 c.1311+2T>G variant is predicted to disrupt the GT donor site and interfere with normal splicing. This variant has been reported to be causative for neonatal-onset citrullinemia type II (described as IVS13+2T>G, Tabata et al. 2008. PubMed ID: 18392553). This variant has not been reported in a large population database, indicating this variant is rare. Variants that disrupt the consensus splice donor site in SLC25A13 are expected to be pathogenic. This variant is interpreted as pathogenic.

Literature cited by the submitters: PubMed 18392553 (cited by Natera, Inc.).